The following is an entry in ClinVar:

NM_001039591.3(USP9X):c.1764-8C>A

Gene: USP9X (ubiquitin specific peptidase 9 X-linked; plus strand). Cytogenetic location: Xp11.4.
Variant type: single nucleotide variant.
Coding change: c.1764-8C>A on transcript NM_001039591.3 (MANE Select); 8 bases into the intron before coding-DNA position 1764, C replaced by A.
Molecular consequence: intron variant.
Genome position (GRCh38, 1-based): chrX:41,152,940, C>A. VCF-style: chrX-41152940-C-A. GRCh37 (hg19) VCF-style: chrX-41012193-C-A.
Other names: c.1764-8C>A (NM_001039590.3).
Identifiers: ClinVar variation 1304170 (VCV001304170.5), dbSNP rs1295140823, ClinGen allele CA2573055304.

ClinVar aggregate classification (germline): Uncertain significance (1 of 4 stars; one submission).

Submission:

GeneDx
Classification: Uncertain significance. Last evaluated: 2026-10-16. Review status: criteria provided, single submitter. Criteria: GeneDx Variant Classification Process June 2021. Collection method: clinical testing. Allele origin: germline.
Comment: Not observed at significant frequency in large population cohorts (gnomAD); In silico analysis supports a deleterious effect on splicing; Has not been previously published as pathogenic or benign to our knowledge